The following is an entry in ClinVar:

NM_003001.5(SDHC):c.193A>T (p.Met65Leu)

Gene: SDHC (succinate dehydrogenase complex subunit C; plus strand). Cytogenetic location: 1q23.3.
Variant type: single nucleotide variant.
Coding change: c.193A>T on transcript NM_003001.5 (MANE Select); coding-DNA position 193, A replaced by T.
Protein change: p.Met65Leu; replaces methionine 65 with leucine.
Molecular consequence: missense variant.
Genome position (GRCh38, 1-based): chr1:161,340,607, A>T. VCF-style: chr1-161340607-A-T. GRCh37 (hg19) VCF-style: chr1-161310397-A-T.
Other names: c.193A>T, p.Met65Leu (NM_001035511.3); c.91A>T, p.Met31Leu (NM_001035512.3, NM_001278172.3, NM_001407118.1); c.34A>T, p.Met12Leu (NM_001035513.3); c.313A>T, p.Met105Leu (NM_001407115.1); c.136A>T, p.Met46Leu (NM_001407116.1, NM_001407117.1, NM_001407121.1); c.82A>T, p.Met28Leu (NM_001407119.1, NM_001407120.1); short protein forms M12L, M65L, M31L, M105L, M28L, M46L.
Identifiers: ClinVar variation 1352184 (VCV001352184.7), dbSNP rs1060501392, ClinGen allele CA343365733.

ClinVar aggregate classification (germline): Uncertain significance (1 of 4 stars; one submission).

Conditions:
Gastrointestinal stromal tumor. Also called: Gastrointestinal stroma tumor; Gastrointestinal stromal tumor, somatic. Identifiers: Orphanet 44890, MedGen C0238198, MeSH D046152, MONDO:0011719, OMIM 606764, HP:0100723.
Pheochromocytoma/paraganglioma syndrome 3. Also called: SDHC-Related Hereditary Paraganglioma-Pheochromocytoma Syndrome (Paragangliomas 3); SDHC-Related Hereditary Paraganglioma-Pheochromocytoma Syndrome; Paragangliomas 3; GLOMUS TUMORS, FAMILIAL, 3. Identifiers: Orphanet 29072, MedGen C1854336, MONDO:0011544, OMIM 605373.

Submission:

Labcorp Genetics (formerly Invitae), Labcorp
Classification: Uncertain significance for Pheochromocytoma/paraganglioma syndrome 3; Gastrointestinal stromal tumor. Last evaluated: 2021-11-18. Review status: criteria provided, single submitter. Criteria: Invitae Variant Classification Sherloc (09022015). Collection method: clinical testing. Allele origin: germline.
Comment: This variant is not present in population databases (gnomAD no frequency). This sequence change replaces methionine, which is neutral and non-polar, with leucine, which is neutral and non-polar, at codon 65 of the SDHC protein (p.Met65Leu). This variant has not been reported in the literature in individuals affected with SDHC-related conditions. Algorithms developed to predict the effect of missense changes on protein structure and function are either unavailable or do not agree on the potential impact of this missense change (SIFT: "Tolerated"; PolyPhen-2: "Possibly Damaging"; Align-GVGD: "Class C0"). In summary, the available evidence is currently insufficient to determine the role of this variant in disease. Therefore, it has been classified as a Variant of Uncertain Significance.